The following is an entry in ClinVar:

ClinVar aggregate classification (germline): Uncertain significance. Review status: criteria provided, multiple submitters, no conflicts (2 of 4 stars). 5 submissions from 5 submitters: Uncertain significance (5). Last evaluated 2026-01-06.

Conditions:
Retinal arterial tortuosity. Also called: RETINAL HEMORRHAGE WITH VASCULAR TORTUOSITY; Retinal arteries, tortuosity of. Identifiers: Orphanet 75326, MedGen C0423401, MONDO:0008373, OMIM 180000, HP:0000631.
Microangiopathy and leukoencephalopathy, pontine, autosomal dominant. Also called: DEMENTIA, HEREDITARY MULTI-INFARCT, SWEDISH TYPE; Pontine autosomal dominant microangiopathy with leukoencephalopathy. Identifiers: Orphanet 477749, MedGen C5231411, MONDO:0032814, OMIM 618564.
Hemorrhage, intracerebral, susceptibility to (ICH). Also called: Stroke, hemorrhagic, susceptibility to. Identifiers: MedGen C3281105, MONDO:0100533, OMIM 614519.
Autosomal dominant familial hematuria-retinal arteriolar tortuosity-contractures syndrome. Also called: Angiopathy, hereditary, with nephropathy, aneurysms, and muscle cramps; Hereditary Angiopathy with Nephropathy, Aneurysms, and Muscle Cramps (HANAC) Syndrome. Identifiers: Orphanet 73229, MedGen C2673195, MONDO:0012726, OMIM 611773.
Brain small vessel disease 1 with or without ocular anomalies (BSVD1). Also called: PORENCEPHALY, TYPE 1, AUTOSOMAL DOMINANT; GOULD SYNDROME 1; Brain small vessel disease with or without ocular anomalies; BRAIN SMALL VESSEL DISEASE WITH HEMORRHAGE. Identifiers: Orphanet 2940, Orphanet 36383, Orphanet 99810, MedGen C4755307, MONDO:0008289, OMIM 175780.
Inborn genetic diseases. Identifiers: MedGen C0950123, MeSH D030342.

Allele frequency attached by ClinVar (database versions not stated): TOPMed 0.00001; ExAC 0.00002.
gnomAD v4.1: 24 of 1,613,978 alleles (0.0015%); highest among the groups gnomAD compares: Admixed American, 0.0033%; no homozygotes.

Submissions (5):

Women's Health and Genetics/Laboratory Corporation of America, LabCorp
Classification: Uncertain significance. Last evaluated: 2026-01-06. Review status: criteria provided, single submitter. Criteria: LabCorp Variant Classification Summary - May 2015. Collection method: clinical testing. Allele origin: germline.
Comment: Variant summary: COL4A1 c.2277C>A (p.Ser759Arg) results in a non-conservative amino acid change in the encoded protein sequence. Algorithms developed to predict the effect of missense changes on protein structure and function are either unavailable or do not agree on the potential impact of this missense change. The variant allele was found at a frequency of 2.8e-05 in 251488 control chromosomes. The available data on variant occurrences in the general population are insufficient to allow any conclusion about variant significance. c.2277C>A has been observed in individual(s) affected with spontaneous coronary artery dissection. These report(s) do not provide unequivocal conclusions about association of the variant with Porencephaly 1. To our knowledge, no experimental evidence demonstrating an impact on protein function has been reported. The following publication have been ascertained in the context of this evaluation (PMID: 39654947). ClinVar contains an entry for this variant (Variation ID: 1025669). Based on the evidence outlined above, the variant was classified as uncertain significance.

Labcorp Genetics (formerly Invitae), Labcorp
Classification: Uncertain significance. Last evaluated: 2025-06-10. Review status: criteria provided, single submitter. Criteria: Invitae Variant Classification Sherloc (09022015). Collection method: clinical testing. Allele origin: germline.
Comment: This sequence change replaces serine, which is neutral and polar, with arginine, which is basic and polar, at codon 759 of the COL4A1 protein (p.Ser759Arg). This variant is present in population databases (rs764059421, gnomAD 0.006%). This variant has not been reported in the literature in individuals affected with COL4A1-related conditions. ClinVar contains an entry for this variant (Variation ID: 1025669). Invitae Evidence Modeling of protein sequence and biophysical properties (such as structural, functional, and spatial information, amino acid conservation, physicochemical variation, residue mobility, and thermodynamic stability) indicates that this missense variant is not expected to disrupt COL4A1 protein function with a negative predictive value of 95%. In summary, the available evidence is currently insufficient to determine the role of this variant in disease. Therefore, it has been classified as a Variant of Uncertain Significance.

Ambry Genetics
Classification: Uncertain significance for Inborn genetic diseases. Last evaluated: 2025-05-19. Review status: criteria provided, single submitter. Criteria: Ambry Variant Classification Scheme 2023. Collection method: clinical testing. Allele origin: germline.

GeneDx
Classification: Uncertain significance. Last evaluated: 2024-05-30. Review status: criteria provided, single submitter. Criteria: GeneDx Variant Classification Process June 2021. Collection method: clinical testing. Allele origin: germline. Affected: yes.
Comment: In silico analysis indicates that this missense variant does not alter protein structure/function; Has not been previously published as pathogenic or benign to our knowledge; Occurs in the triple helical domain at the X position in the canonical Gly-X-Y repeat; although this variant may have an effect on normal protein folding and function, missense substitution at the X position is not a common mechanism of disease

Fulgent Genetics
Classification: Uncertain significance for Brain small vessel disease 1 with or without ocular anomalies; Retinal arterial tortuosity; Autosomal dominant familial hematuria-retinal arteriolar tortuosity-contractures syndrome; Hemorrhage, intracerebral, susceptibility to; Microangiopathy and leukoencephalopathy, pontine, autosomal dominant. Last evaluated: 2024-03-08. Review status: criteria provided, single submitter. Criteria: ACMG Guidelines, 2015. Collection method: clinical testing. Allele origin: germline.

Literature cited by the submitters: PubMed 39654947 (cited by Women's Health and Genetics/Laboratory Corporation of America, LabCorp).

NM_001845.6(COL4A1):c.2277C>A (p.Ser759Arg)

Gene: COL4A1 (collagen type IV alpha 1 chain; minus strand). Cytogenetic location: 13q34.
Variant type: single nucleotide variant.
Coding change: c.2277C>A on transcript NM_001845.6 (MANE Select); coding-DNA position 2277, C replaced by A.
Protein change: p.Ser759Arg; replaces serine 759 with arginine.
Molecular consequence: missense variant.
Genome position (GRCh38, 1-based): chr13:110,179,338, G>T on the plus strand (C>A on the coding strand, the complement: COL4A1 is on the minus strand). VCF-style: chr13-110179338-G-T. GRCh37 (hg19) VCF-style: chr13-110831685-G-T.
Other names: c.2277C>A (NM_001845.4); short protein forms S759R.
Identifiers: ClinVar variation 1025669 (VCV001025669.17), dbSNP rs764059421, ClinGen allele CA7047651.
Genomic context (GRCh38, chr13:110,179,338, plus strand): 5'-CCCCTGAAGCCCAGGGGGTCCGATCGCTCCATGTTCTCCAGGAACGCCTGGTACCCCAAT[G>T]CTCCCCTTCTCCCCGGGTGTGCCAGGAATGCCGGGAAGACCTGGCAAACCTTTGAGTCCC-3'
Protein context (NP_001836.3, residues 749-769): GIPGTPGEKG[Ser759Arg]IGVPGVPGEH